The following is an entry in ClinVar:

NM_000426.4(LAMA2):c.2595C>G (p.Cys865Trp)

Gene: LAMA2 (laminin subunit alpha 2; plus strand). Cytogenetic location: 6q22.33.
Variant type: single nucleotide variant.
Coding change: c.2595C>G on transcript NM_000426.4 (MANE Select); coding-DNA position 2595, C replaced by G.
Protein change: p.Cys865Trp; replaces cysteine 865 with tryptophan.
Molecular consequence: missense variant.
Genome position (GRCh38, 1-based): chr6:129,287,904, C>G. VCF-style: chr6-129287904-C-G. GRCh37 (hg19) VCF-style: chr6-129609049-C-G.
Other names: c.2595C>G, p.Cys865Trp (NM_001079823.2); short protein forms C865W.
Identifiers: ClinVar variation 3359962 (VCV003359962.1).

ClinVar aggregate classification (germline): Uncertain significance (1 of 4 stars; one submission).

Submission:

GeneDx
Classification: Uncertain significance. Last evaluated: 2023-06-22. Review status: criteria provided, single submitter. Criteria: GeneDx Variant Classification Process June 2021. Collection method: clinical testing. Allele origin: germline. Affected: yes.
Comment: Not observed at significant frequency in large population cohorts (gnomAD); In silico analysis supports that this missense variant has a deleterious effect on protein structure/function; Has not been previously published as pathogenic or benign to our knowledge